The following is an entry in ClinVar:

ClinVar aggregate classification (germline): Uncertain significance (1 of 4 stars; one submission).

Submission:

Labcorp Genetics (formerly Invitae), Labcorp
Classification: Uncertain significance. Last evaluated: 2022-11-09. Review status: criteria provided, single submitter. Criteria: Invitae Variant Classification Sherloc (09022015). Collection method: clinical testing. Allele origin: germline.
Comment: This sequence change replaces valine, which is neutral and non-polar, with leucine, which is neutral and non-polar, at codon 578 of the KAT6A protein (p.Val578Leu). This variant is not present in population databases (gnomAD no frequency). This variant has not been reported in the literature in individuals affected with KAT6A-related conditions. Advanced modeling of protein sequence and biophysical properties (such as structural, functional, and spatial information, amino acid conservation, physicochemical variation, residue mobility, and thermodynamic stability) performed at Invitae indicates that this missense variant is not expected to disrupt KAT6A protein function. In summary, the available evidence is currently insufficient to determine the role of this variant in disease. Therefore, it has been classified as a Variant of Uncertain Significance.

NM_006766.5(KAT6A):c.1732G>C (p.Val578Leu)

Gene: KAT6A (lysine acetyltransferase 6A; minus strand). Cytogenetic location: 8p11.21.
Variant type: single nucleotide variant.
Coding change: c.1732G>C on transcript NM_006766.5 (MANE Select); coding-DNA position 1732, G replaced by C.
Protein change: p.Val578Leu; replaces valine 578 with leucine.
Molecular consequence: missense variant.
Genome position (GRCh38, 1-based): chr8:41,949,230, C>G on the plus strand (G>C on the coding strand, the complement: KAT6A is on the minus strand). VCF-style: chr8-41949230-C-G. GRCh37 (hg19) VCF-style: chr8-41806748-C-G.
Other names: c.1732G>C, p.Val578Leu (NM_001305878.2); short protein forms V578L.
Identifiers: ClinVar variation 2813144 (VCV002813144.3), dbSNP rs2486789760, ClinGen allele CA371074147.